The following is an entry in ClinVar:

NM_001369.3(DNAH5):c.7590CTA[1] (p.Tyr2532del)

Gene: DNAH5 (dynein axonemal heavy chain 5; minus strand). Cytogenetic location: 5p15.2.
Variant type: Microsatellite.
Coding change: c.7590CTA[1] on transcript NM_001369.3 (MANE Select); one copy of the 3-base unit CTA starting at c.7590; the reference has two copies in a row; one copy, 3 bases deleted.
Protein change: p.Tyr2532del; deletes tyrosine 2532.
Molecular consequence: inframe deletion.
Genome position (GRCh38, 1-based): chr5:13,810,073-13,810,075, TAG deleted on the plus strand (CTA on the coding strand, the reverse complement: DNAH5 is on the minus strand); deleting any 3 consecutive bases within chr5:13,810,073-13,810,079 gives the same sequence; the position shown is the placement nearest the transcript's 3' end. VCF-style (leftmost placement, unchanged base first): chr5-13810072-ATAG-A. GRCh37 (hg19) VCF-style: chr5-13810181-ATAG-A.
Other names: short protein forms Y2532del.
Identifiers: ClinVar variation 5003722 (VCV005003722.1).

ClinVar aggregate classification (germline): Uncertain significance (1 of 4 stars; one submission).

Conditions:
Primary ciliary dyskinesia 3. Identifiers: Orphanet 244, MedGen C1837618, MONDO:0012085, OMIM 608644.

Submission:

Myriad Genetics, Inc.
Classification: Uncertain significance for Primary ciliary dyskinesia 3. Last evaluated: 2025-08-06. Review status: criteria provided, single submitter. Criteria: Myriad Autosomal Dominant, Autosomal Recessive and X-Linked Classification Criteria (2023). Collection method: clinical testing. Allele origin: unknown.
Comment: NM_001369.2(DNAH5):c.7593_7595delCTA(Y2532del) is an in-frame deletion classified as a variant of uncertain significance in the context of primary ciliary dyskinesia, DNAH5-related. Y2532del has been observed in a case with relevant disease (PMID: 31638833). Relevant functional assessments of this variant are not available in the literature. Y2532del has not been observed in referenced population frequency databases. In summary, there is insufficient evidence to classify NM_001369.2(DNAH5):c.7593_7595delCTA(Y2532del) as pathogenic or benign. Please note: this variant was assessed in the context of healthy population screening.

Literature cited by the submitters: PubMed 31638833.